The following is an entry in ClinVar:

NM_003384.3(VRK1):c.1069-32TC[8]

Gene: VRK1 (VRK serine/threonine kinase 1; plus strand). Cytogenetic location: 14q32.2.
Variant type: Microsatellite.
Coding change: c.1069-32TC[8] on transcript NM_003384.3 (MANE Select); eight copies in a row of the 2-base unit TC starting at c.1069-32.
Molecular consequence: intron variant.
Genome position: GRCh38 VCF-style: chr14-96875997-A-ATC. GRCh37 (hg19) VCF-style: chr14-97342334-A-ATC.
Other names: c.1069-19_1069-18dupCT (NM_003384.2).
Identifiers: ClinVar variation 420569 (VCV000420569.1), dbSNP rs760319122, ClinGen allele CA7339178.

ClinVar aggregate classification (germline): Likely benign (1 of 4 stars; one submission).

Submission:

GeneDx
Classification: Likely benign. Last evaluated: 2016-02-26. Review status: criteria provided, single submitter. Criteria: GeneDx Variant Classification (06012015). Collection method: clinical testing. Allele origin: germline. Affected: yes.
Comment: This variant is considered likely benign or benign based on one or more of the following criteria: it is a conservative change, it occurs at a poorly conserved position in the protein, it is predicted to be benign by multiple in silico algorithms, and/or has population frequency not consistent with disease.